The following is an entry in ClinVar:

NM_000548.5(TSC2):c.3757C>T (p.Leu1253=)

Gene: TSC2 (TSC complex subunit 2; plus strand). Cytogenetic location: 16p13.3.
Variant type: single nucleotide variant.
Coding change: c.3757C>T on transcript NM_000548.5 (MANE Select); coding-DNA position 3757, C replaced by T.
Protein change: p.Leu1253=; no amino-acid change (leucine 1253 retained).
Molecular consequence: synonymous variant.
Genome position (GRCh38, 1-based): chr16:2,081,741, C>T. VCF-style: chr16-2081741-C-T. GRCh37 (hg19) VCF-style: chr16-2131742-C-T.
Other names: c.3625C>T, p.Leu1209= (NM_001077183.3, NM_001370404.1); c.3757C>T, p.Leu1253= (NM_001114382.3); c.3517C>T, p.Leu1173= (NM_001318827.2); c.3481C>T, p.Leu1161= (NM_001318829.2); c.3025C>T, p.Leu1009= (NM_001318831.2); c.3658C>T, p.Leu1220= (NM_001318832.2); c.3628C>T, p.Leu1210= (NM_001363528.2, NM_001370405.1, NM_021055.3).
Identifiers: ClinVar variation 824166 (VCV000824166.13), dbSNP rs1596400529, ClinGen allele CA493043207.

ClinVar aggregate classification (germline): Benign/Likely benign. Review status: criteria provided, multiple submitters, no conflicts (2 of 4 stars). 3 submissions from 3 submitters: Benign (1); Likely benign (2). Last evaluated 2025-05-30.

Conditions:
Hereditary cancer-predisposing syndrome. Also called: Neoplastic Syndromes, Hereditary; Hereditary Cancer Syndrome; Hereditary neoplastic syndrome; Tumor predisposition. Identifiers: Orphanet 140162, MedGen C0027672, MeSH D009386, MONDO:0015356.
Tuberous sclerosis 2 (TSC2). Identifiers: Orphanet 805, MedGen C1860707, MONDO:0013199, OMIM 613254.

Allele frequency attached by ClinVar (database versions not stated): TOPMed below 0.00001; gnomAD 0.00001.
gnomAD v4.1: 2 of 1,612,812 alleles (0.00012%); highest among the groups gnomAD compares: South Asian, 0.0011%; no homozygotes.

Submissions (3):

Myriad Genetics, Inc.
Classification: Benign for Tuberous sclerosis 2. Last evaluated: 2025-05-30. Review status: criteria provided, single submitter. Criteria: Myriad Autosomal Dominant, Autosomal Recessive and X-Linked Classification Criteria (2023). Collection method: clinical testing. Allele origin: unknown.
Comment: This variant is considered benign. This variant is a silent/synonymous amino acid change and it is not expected to impact splicing.

Labcorp Genetics (formerly Invitae), Labcorp
Classification: Likely benign for Tuberous sclerosis 2. Last evaluated: 2025-01-26. Review status: criteria provided, single submitter. Criteria: Invitae Variant Classification Sherloc (09022015). Collection method: clinical testing. Allele origin: germline.

Ambry Genetics
Classification: Likely benign for Hereditary cancer-predisposing syndrome. Last evaluated: 2018-06-15. Review status: criteria provided, single submitter. Criteria: Ambry Variant Classification Scheme 2023. Collection method: clinical testing. Allele origin: germline.